The following is an entry in ClinVar:

NM_001013838.3(CARMIL2):c.3101C>A (p.Pro1034Gln)

Gene: CARMIL2 (capping protein regulator and myosin 1 linker 2; plus strand). Cytogenetic location: 16q22.1.
Variant type: single nucleotide variant.
Coding change: c.3101C>A on transcript NM_001013838.3 (MANE Select); coding-DNA position 3101, C replaced by A.
Protein change: p.Pro1034Gln; replaces proline 1034 with glutamine.
Molecular consequence: missense variant.
Genome position (GRCh38, 1-based): chr16:67,653,235, C>A. VCF-style: chr16-67653235-C-A. GRCh37 (hg19) VCF-style: chr16-67687138-C-A.
Other names: c.2993C>A, p.Pro998Gln (NM_001317026.3); short protein forms P1034Q, P998Q.
Identifiers: ClinVar variation 3698811 (VCV003698811.2).

ClinVar aggregate classification (germline): Uncertain significance (1 of 4 stars; one submission).

Submission:

Labcorp Genetics (formerly Invitae), Labcorp
Classification: Uncertain significance. Last evaluated: 2025-04-07. Review status: criteria provided, single submitter. Criteria: Invitae Variant Classification Sherloc (09022015). Collection method: clinical testing. Allele origin: germline.
Comment: This sequence change replaces proline, which is neutral and non-polar, with glutamine, which is neutral and polar, at codon 1034 of the CARMIL2 protein (p.Pro1034Gln). The frequency data for this variant in the population databases is considered unreliable, as metrics indicate insufficient coverage at this position in the gnomAD database. This variant has not been reported in the literature in individuals affected with CARMIL2-related conditions. ClinVar contains an entry for this variant (Variation ID: 3698811). An algorithm developed to predict the effect of missense changes on protein structure and function (PolyPhen-2) suggests that this variant is likely to be disruptive. In summary, the available evidence is currently insufficient to determine the role of this variant in disease. Therefore, it has been classified as a Variant of Uncertain Significance.